The following is an entry in ClinVar:

NM_001130009.3(GEN1):c.1535C>A (p.Ser512Tyr)

Gene: GEN1 (GEN1 Holliday junction 5' flap endonuclease; plus strand). Cytogenetic location: 2p24.2.
Variant type: single nucleotide variant.
Coding change: c.1535C>A on transcript NM_001130009.3 (MANE Select); coding-DNA position 1535, C replaced by A.
Protein change: p.Ser512Tyr; replaces serine 512 with tyrosine.
Molecular consequence: missense variant.
Genome position (GRCh38, 1-based): chr2:17,780,747, C>A. VCF-style: chr2-17780747-C-A. GRCh37 (hg19) VCF-style: chr2-17962014-C-A.
Other names: c.1535C>A, p.Ser512Tyr (NM_182625.5); short protein forms S512Y.
Identifiers: ClinVar variation 3853492 (VCV003853492.1).

ClinVar aggregate classification (germline): Uncertain significance (1 of 4 stars; one submission).

Submission:

Ambry Genetics
Classification: Uncertain significance. Last evaluated: 2025-01-08. Review status: criteria provided, single submitter. Criteria: Ambry Variant Classification Scheme 2023. Collection method: clinical testing. Allele origin: germline.
Comment: The p.S512Y variant (also known as c.1535C>A), located in coding exon 13 of the GEN1 gene, results from a C to A substitution at nucleotide position 1535. The serine at codon 512 is replaced by tyrosine, an amino acid with dissimilar properties. This amino acid position is conserved. In addition, this alteration is predicted to be tolerated by in silico analysis. Based on the available evidence, the clinical significance of this variant remains unclear.